The following is an entry in ClinVar:

ClinVar aggregate classification (germline): Uncertain significance. Review status: criteria provided, multiple submitters, no conflicts (2 of 4 stars). 2 submissions from 2 submitters: Uncertain significance (2). Last evaluated 2024-02-16.

Conditions:
Early-infantile DEE. Also called: Early infantile epileptic encephalopathy; Early infantile epileptic encephalopathy with suppression bursts; Ohtahara syndrome. Identifiers: Orphanet 1934, MedGen C0393706, MONDO:0800491.

Submissions (2):

Labcorp Genetics (formerly Invitae), Labcorp
Classification: Uncertain significance for Early-infantile DEE. Last evaluated: 2024-02-16. Review status: criteria provided, single submitter. Criteria: Invitae Variant Classification Sherloc (09022015). Collection method: clinical testing. Allele origin: germline.
Comment: This sequence change replaces methionine, which is neutral and non-polar, with threonine, which is neutral and polar, at codon 1103 of the SCN1A protein (p.Met1103Thr). This variant is not present in population databases (gnomAD no frequency). This variant has not been reported in the literature in individuals affected with SCN1A-related conditions. ClinVar contains an entry for this variant (Variation ID: 1381930). Advanced modeling of protein sequence and biophysical properties (such as structural, functional, and spatial information, amino acid conservation, physicochemical variation, residue mobility, and thermodynamic stability) performed at Invitae indicates that this missense variant is not expected to disrupt SCN1A protein function with a negative predictive value of 95%. In summary, the available evidence is currently insufficient to determine the role of this variant in disease. Therefore, it has been classified as a Variant of Uncertain Significance.

Revvity Omics, Revvity
Classification: Uncertain significance. Last evaluated: 2021-01-22. Review status: criteria provided, single submitter. Criteria: ACMG Guidelines, 2015. Collection method: clinical testing. Allele origin: germline.

NM_001165963.4(SCN1A):c.3308T>C (p.Met1103Thr)

Genes: SCN1A (sodium voltage-gated channel alpha subunit 1; minus strand), LOC102724058 (uncharacterized LOC102724058; plus strand). Cytogenetic location: 2q24.3.
Variant type: single nucleotide variant.
Coding change: c.3308T>C on transcript NM_001165963.4 (MANE Select); coding-DNA position 3308, T replaced by C.
Protein change: p.Met1103Thr; replaces methionine 1103 with threonine.
Molecular consequence: missense variant. On other transcripts: non-coding transcript variant (2).
Genome position (GRCh38, 1-based): chr2:166,036,169, A>G on the plus strand (T>C on the coding strand, the complement: SCN1A is on the minus strand). VCF-style: chr2-166036169-A-G. GRCh37 (hg19) VCF-style: chr2-166892679-A-G.
Other names: c.3308T>C (NM_001165963.3, NM_001165963.1); c.3224T>C, p.Met1075Thr (NM_001165964.3, NM_001353957.2, NM_001353958.2); c.3308T>C, p.Met1103Thr (NM_001202435.3, NM_001353948.2); c.3275T>C, p.Met1092Thr (NM_001353949.2, NM_001353950.2, NM_001353951.2 and 2 more transcripts); c.3272T>C, p.Met1091Thr (NM_001353954.2, NM_001353955.2); c.3221T>C, p.Met1074Thr (NM_001353960.2); c.866T>C, p.Met289Thr (NM_001353961.2); short protein forms M1092T, M1074T, M1075T, M1103T, M1091T, M289T.
Identifiers: ClinVar variation 1381930 (VCV001381930.11), dbSNP rs1559193311, ClinGen allele CA349059338.